The following is an entry in ClinVar:

NM_003000.3(SDHB):c.518C>T (p.Ser173Phe)

Gene: SDHB (succinate dehydrogenase complex iron sulfur subunit B; minus strand). Cytogenetic location: 1p36.13.
Variant type: single nucleotide variant.
Coding change: c.518C>T on transcript NM_003000.3 (MANE Select); coding-DNA position 518, C replaced by T.
Protein change: p.Ser173Phe; replaces serine 173 with phenylalanine.
Molecular consequence: missense variant.
Genome position (GRCh38, 1-based): chr1:17,027,771, G>A on the plus strand (C>T on the coding strand, the complement: SDHB is on the minus strand). VCF-style: chr1-17027771-G-A. GRCh37 (hg19) VCF-style: chr1-17354266-G-A.
Other names: c.518C>T (NM_003000.2); short protein forms S173F.
Identifiers: ClinVar variation 1020222 (VCV001020222.8), dbSNP rs895331139, ClinGen allele CA18665918.

ClinVar aggregate classification (germline): Uncertain significance. Review status: criteria provided, multiple submitters, no conflicts (2 of 4 stars). 3 submissions from 3 submitters: Uncertain significance (3). Last evaluated 2026-04-02.

Conditions:
Pheochromocytoma. Also called: MAX-Related Hereditary Paraganglioma-Pheochromocytoma Syndrome. Identifiers: Orphanet 29072, MedGen C0031511, MONDO:0008233, OMIM 171300, HP:0002666.
Gastrointestinal stromal tumor. Also called: Gastrointestinal stromal tumor, somatic; Gastrointestinal stroma tumor. Identifiers: Orphanet 44890, MedGen C0238198, MeSH D046152, MONDO:0011719, OMIM 606764, HP:0100723.
Pheochromocytoma/paraganglioma syndrome 4. Also called: CAROTID BODY TUMORS AND MULTIPLE EXTRAADRENAL PHEOCHROMOCYTOMAS; SDHB-Related Hereditary Paraganglioma-Pheochromocytoma Syndrome (Paragangliomas 4); Paragangliomas 4; SDHB-Related Hereditary Paraganglioma-Pheochromocytoma Syndrome; PARAGANGLIOMA, FAMILIAL MALIGNANT; PARAGANGLIOMAS, HEREDITARY EXTRAADRENAL. Identifiers: Orphanet 29072, MedGen C1861848, MONDO:0007273, OMIM 115310.
Hereditary pheochromocytoma and paraganglioma. Also called: Hereditary paragangliomas and pheochromocytomas; Hereditary Paraganglioma-Pheochromocytoma Syndromes; Hereditary pheochromocytoma-paraganglioma. Identifiers: Orphanet 29072, MedGen C4274332, MONDO:0017366.
Hereditary cancer-predisposing syndrome. Also called: Tumor predisposition; Neoplastic Syndromes, Hereditary; Hereditary neoplastic syndrome; Hereditary Cancer Syndrome. Identifiers: Orphanet 140162, MedGen C0027672, MeSH D009386, MONDO:0015356.

Allele frequency attached by ClinVar (database versions not stated): gnomAD exomes below 0.00001.
gnomAD v4.1: 2 of 1,603,208 alleles (0.00012%); highest among the groups gnomAD compares: Admixed American, 0.0033%; no homozygotes.

Submissions (3):

Ambry Genetics
Classification: Uncertain significance for Hereditary cancer-predisposing syndrome. Last evaluated: 2026-04-02. Review status: criteria provided, single submitter. Criteria: Ambry Variant Classification Scheme 2023. Collection method: clinical testing. Allele origin: germline.
Comment: The p.S173F variant (also known as c.518C>T), located in coding exon 5 of the SDHB gene, results from a C to T substitution at nucleotide position 518. The serine at codon 173 is replaced by phenylalanine, an amino acid with highly dissimilar properties. This amino acid position is conserved. In addition, this alteration is predicted to be deleterious by in silico analysis. Since supporting evidence is limited at this time, the clinical significance of this alteration remains unclear.

Color Diagnostics, LLC DBA Color Health
Classification: Uncertain significance for Hereditary pheochromocytoma and paraganglioma. Last evaluated: 2025-06-03. Review status: criteria provided, single submitter. Criteria: ACMG Guidelines, 2015. Collection method: clinical testing. Allele origin: germline.
Comment: This missense variant replaces serine with phenylalanine at codon 173 of the SDHB protein. Computational prediction suggests that this variant may have deleterious impact on protein structure and function. To our knowledge, functional studies have not been reported for this variant. This variant has not been reported in individuals affected with SDHB-related disorders in the literature. This variant has been identified in 1/251410 chromosomes in the general population by the Genome Aggregation Database (gnomAD). The available evidence is insufficient to determine the role of this variant in disease conclusively. Therefore, this variant is classified as a Variant of Uncertain Significance.

Labcorp Genetics (formerly Invitae), Labcorp
Classification: Uncertain significance for Gastrointestinal stromal tumor; Pheochromocytoma/paraganglioma syndrome 4; Pheochromocytoma. Last evaluated: 2023-12-31. Review status: criteria provided, single submitter. Criteria: Invitae Variant Classification Sherloc (09022015). Collection method: clinical testing. Allele origin: germline.
Comment: This sequence change replaces serine, which is neutral and polar, with phenylalanine, which is neutral and non-polar, at codon 173 of the SDHB protein (p.Ser173Phe). This variant is present in population databases (no rsID available, gnomAD 0.003%). This variant has not been reported in the literature in individuals affected with SDHB-related conditions. ClinVar contains an entry for this variant (Variation ID: 1020222). Advanced modeling of protein sequence and biophysical properties (such as structural, functional, and spatial information, amino acid conservation, physicochemical variation, residue mobility, and thermodynamic stability) performed at Invitae indicates that this missense variant is expected to disrupt SDHB protein function with a positive predictive value of 80%. In summary, the available evidence is currently insufficient to determine the role of this variant in disease. Therefore, it has been classified as a Variant of Uncertain Significance.